The following is an entry in ClinVar:

ClinVar aggregate classification (germline): Uncertain significance. Review status: criteria provided, multiple submitters, no conflicts (2 of 4 stars). 2 submissions from 2 submitters: Uncertain significance (2). Last evaluated 2025-07-01.

Conditions:
TCN2-related disorder. Also called: TCN2-related condition.
Transcobalamin II deficiency (TCN2D). Also called: TC II DEFICIENCY; TCN2 DEFICIENCY; Transcolabamin II deficiency. Identifiers: Orphanet 859, MedGen C0342701, MONDO:0010149, OMIM 275350.

Allele frequency attached by ClinVar (database versions not stated): gnomAD exomes 0.00003 and 0.00009; TOPMed 0.00003; gnomAD 0.00005 and 0.00007; ExAC 0.00007; 1000 Genomes Project 30x 0.00016; 1000 Genomes Project 0.00020.
gnomAD v4.1: 51 of 1,614,232 alleles (0.0032%); highest among the groups gnomAD compares: East Asian, 0.11%; no homozygotes.

Submissions (2):

PreventionGenetics, part of Exact Sciences
Classification: Uncertain significance for TCN2-related condition. Last evaluated: 2025-07-01. Review status: criteria provided, single submitter. Criteria: ACMG Guidelines, 2015. Collection method: clinical testing. Allele origin: germline.
Comment: The TCN2 c.857C>T variant is predicted to result in the amino acid substitution p.Ala286Val. To our knowledge, this variant has not been reported in the literature. This variant is reported in 0.12% of alleles in individuals of East Asian descent in gnomAD. At this time, the clinical significance of this variant is uncertain due to the absence of conclusive functional and genetic evidence.

Labcorp Genetics (formerly Invitae), Labcorp
Classification: Uncertain significance for Transcobalamin II deficiency. Last evaluated: 2022-02-08. Review status: criteria provided, single submitter. Criteria: Invitae Variant Classification Sherloc (09022015). Collection method: clinical testing. Allele origin: germline.
Comment: This sequence change replaces alanine, which is neutral and non-polar, with valine, which is neutral and non-polar, at codon 286 of the TCN2 protein (p.Ala286Val). This variant is present in population databases (rs149231407, gnomAD 0.1%). This variant has not been reported in the literature in individuals affected with TCN2-related conditions. ClinVar contains an entry for this variant (Variation ID: 955772). Algorithms developed to predict the effect of missense changes on protein structure and function output the following: SIFT: "Tolerated"; PolyPhen-2: "Benign"; Align-GVGD: "Class C25". The valine amino acid residue is found in multiple mammalian species, which suggests that this missense change does not adversely affect protein function. In summary, the available evidence is currently insufficient to determine the role of this variant in disease. Therefore, it has been classified as a Variant of Uncertain Significance.

NM_000355.4(TCN2):c.857C>T (p.Ala286Val)

Gene: TCN2 (transcobalamin 2; plus strand). Cytogenetic location: 22q12.2.
Variant type: single nucleotide variant.
Coding change: c.857C>T on transcript NM_000355.4 (MANE Select); coding-DNA position 857, C replaced by T.
Protein change: p.Ala286Val; replaces alanine 286 with valine.
Molecular consequence: missense variant.
Genome position (GRCh38, 1-based): chr22:30,615,704, C>T. VCF-style: chr22-30615704-C-T. GRCh37 (hg19) VCF-style: chr22-31011691-C-T.
Other names: c.776C>T, p.Ala259Val (NM_001184726.2); short protein forms A286V, A259V.
Identifiers: ClinVar variation 955772 (VCV000955772.6), dbSNP rs149231407, ClinGen allele CA10184861.